The following is an entry in ClinVar:

ClinVar aggregate classification (germline): Likely pathogenic. Review status: criteria provided, multiple submitters, no conflicts (2 of 4 stars). 2 submissions from 2 submitters: Likely pathogenic (2). Last evaluated 2026-06-03.

Conditions:
PIEZO1-related disorder. Also called: PIEZO1-related condition; PIEZO1-Related Disorders.

gnomAD v4.1: 1 of 1,548,392 alleles (0.000065%); highest among the groups gnomAD compares: East Asian, 0.0024%; no homozygotes.

Submissions (2):

PreventionGenetics, part of Exact Sciences
Classification: Likely pathogenic for PIEZO1-related condition. Last evaluated: 2026-06-03. Review status: criteria provided, single submitter. Criteria: ACMG Guidelines, 2015. Collection method: clinical testing. Allele origin: germline.
Comment: The PIEZO1 c.5189G>A variant is predicted to result in premature protein termination (p.Trp1730*). To our knowledge, this variant has not been reported in the literature. This variant is reported in 0.0093% of alleles in individuals of East Asian descent in gnomAD. Nonsense variants in PIEZO1 are expected to be pathogenic. This variant is interpreted as likely pathogenic for autosomal recessive PIEZO1-related disorders.

Clinical Genetics Laboratory, Skane University Hospital Lund
Classification: Likely pathogenic. Last evaluated: 2022-07-07. Review status: criteria provided, single submitter. Criteria: ACMG Guidelines, 2015. Collection method: clinical testing. Allele origin: germline. Affected: yes.

NM_001142864.4(PIEZO1):c.5189G>A (p.Trp1730Ter)

Gene: PIEZO1 (piezo type mechanosensitive ion channel component 1 (Er blood group); minus strand). Cytogenetic location: 16q24.3.
Variant type: single nucleotide variant.
Coding change: c.5189G>A on transcript NM_001142864.4 (MANE Select); coding-DNA position 5189, G replaced by A.
Protein change: p.Trp1730Ter; replaces tryptophan 1730 with a stop codon.
Molecular consequence: nonsense.
Genome position (GRCh38, 1-based): chr16:88,721,833, C>T on the plus strand (G>A on the coding strand, the complement: PIEZO1 is on the minus strand). VCF-style: chr16-88721833-C-T. GRCh37 (hg19) VCF-style: chr16-88788241-C-T.
Other names: c.5189G>A (NM_001142864.3); short protein forms W1730*.
Identifiers: ClinVar variation 3337455 (VCV003337455.2).